The following is an entry in ClinVar:

NM_001267550.2(TTN):c.21279A>G (p.Thr7093=)

Genes: TTN (titin; minus strand), LOC126806428 (BRD4-independent group 4 enhancer GRCh37_chr2:179588362-179589561; plus strand). Cytogenetic location: 2q31.2.
Variant type: single nucleotide variant.
Coding change: c.21279A>G on transcript NM_001267550.2 (MANE Select); coding-DNA position 21279, A replaced by G.
Protein change: p.Thr7093=; no amino-acid change (threonine 7093 retained).
Molecular consequence: synonymous variant. On other transcripts: intron variant (3).
Genome position (GRCh38, 1-based): chr2:178,723,980, T>C on the plus strand (A>G on the coding strand, the complement: TTN is on the minus strand). VCF-style: chr2-178723980-T-C. GRCh37 (hg19) VCF-style: chr2-179588707-T-C.
Other names: c.20328A>G, p.Thr6776= (NM_001256850.1); c.17547A>G, p.Thr5849= (NM_133378.4); c.13282+14102A>G (NM_003319.4); c.13858+14102A>G (NM_133437.4); c.13657+14102A>G (NM_133432.3).
Identifiers: ClinVar variation 179288 (VCV000179288.14), dbSNP rs727504765, ClinGen allele CA184127.
Genomic context (GRCh38, chr2:178,723,980, plus strand): 5'-ATTGCCCATATCTGAGGAATCCAGAGAATTCAACTGCAATGTGCAGACATTATCTGAAAA[T>C]GTGGTTTGGTACTTTGCTCCACTGACAATCTTGGTTTTCTCATGAAACCAGGCAACTGAA-3'
Protein context (NP_001254479.2, residues 7083-7103): KIVSGAKYQT[Thr7093=]FSDNVCTLQL

ClinVar aggregate classification (germline): Likely benign. Review status: criteria provided, multiple submitters, no conflicts (2 of 4 stars). 3 submissions from 3 submitters: Likely benign (3). Last evaluated 2024-04-18.

Conditions:
Dilated cardiomyopathy 1G (CMD1G). Identifiers: Orphanet 154, MedGen C1858763, MONDO:0011400, OMIM 604145.
Autosomal recessive limb-girdle muscular dystrophy type 2J (LGMDR10). Also called: Limb-girdle muscular dystrophy, type 2J; MUSCULAR DYSTROPHY, LIMB-GIRDLE, AUTOSOMAL RECESSIVE 10. Identifiers: Orphanet 140922, MedGen C1837342, MONDO:0012127, OMIM 608807.

Allele frequency attached by ClinVar (database versions not stated): ExAC 0.00001; gnomAD exomes 0.00001; TOPMed 0.00001.
gnomAD v4.1: 4 of 1,613,522 alleles (0.00025%); highest among the groups gnomAD compares: Admixed American, 0.005%; no homozygotes.

Submissions (3):

Labcorp Genetics (formerly Invitae), Labcorp
Classification: Likely benign for Dilated cardiomyopathy 1G; Autosomal recessive limb-girdle muscular dystrophy type 2J. Last evaluated: 2024-04-18. Review status: criteria provided, single submitter. Criteria: Invitae Variant Classification Sherloc (09022015). Collection method: clinical testing. Allele origin: germline.

GeneDx
Classification: Likely benign. Last evaluated: 2016-06-10. Review status: criteria provided, single submitter. Criteria: GeneDx Variant Classification (06012015). Collection method: clinical testing. Allele origin: germline. Affected: yes.
Comment: This variant is considered likely benign or benign based on one or more of the following criteria: it is a conservative change, it occurs at a poorly conserved position in the protein, it is predicted to be benign by multiple in silico algorithms, and/or has population frequency not consistent with disease.

Laboratory for Molecular Medicine, Mass General Brigham Personalized Medicine
Classification: Likely benign. Last evaluated: 2013-09-30. Review status: criteria provided, single submitter. Criteria: LMM Criteria. Collection method: clinical testing. Allele origin: germline. Observed: 1 variant allele.
Comment: Thr5849Thr in exon 70 of TTN: This variant is not expected to have clinical sign ificance because it does not alter an amino acid residue and is not located with in the splice consensus sequence. Thr5849Thr in exon 70 of TTN (allele frequen cy = n/a)